The following is an entry in ClinVar:

NM_000540.3(RYR1):c.8260T>C (p.Phe2754Leu)

Gene: RYR1 (ryanodine receptor 1; plus strand). Cytogenetic location: 19q13.2.
Variant type: single nucleotide variant.
Coding change: c.8260T>C on transcript NM_000540.3 (MANE Select); coding-DNA position 8260, T replaced by C.
Protein change: p.Phe2754Leu; replaces phenylalanine 2754 with leucine.
Molecular consequence: missense variant.
Genome position (GRCh38, 1-based): chr19:38,505,031, T>C. VCF-style: chr19-38505031-T-C. GRCh37 (hg19) VCF-style: chr19-38995671-T-C.
Other names: c.8260T>C, p.Phe2754Leu (NM_001042723.2); short protein forms F2754L.
Identifiers: ClinVar variation 3385470 (VCV003385470.2).

ClinVar aggregate classification (germline): Uncertain significance. Review status: criteria provided, multiple submitters, no conflicts (2 of 4 stars). 2 submissions from 2 submitters: Uncertain significance (2). Last evaluated 2025-06-24.

Conditions:
Malignant hyperthermia, susceptibility to, 1 (MHS1). Also called: Anesthesia related hyperthermia; Malignant hyperpyrexia; Fulminating hyperpyrexia; Pharmacogenic myopathy; Malignant hyperthermia suceptibility 1; RYR1-Related Malignant Hyperthermia Susceptibility. Identifiers: Orphanet 423, MedGen C2930980, MONDO:0007783, OMIM 145600.
RYR1-related disorder. Also called: RYR1-related disorders; RYR1-related condition. Identifiers: MedGen CN239331.

Submissions (2):

Labcorp Genetics (formerly Invitae), Labcorp
Classification: Uncertain significance for RYR1-related disorder. Last evaluated: 2025-06-24. Review status: criteria provided, single submitter. Criteria: Invitae Variant Classification Sherloc (09022015). Collection method: clinical testing. Allele origin: germline.
Comment: This sequence change replaces phenylalanine, which is neutral and non-polar, with leucine, which is neutral and non-polar, at codon 2754 of the RYR1 protein (p.Phe2754Leu). This variant is not present in population databases (gnomAD no frequency). This variant has not been reported in the literature in individuals affected with RYR1-related conditions. ClinVar contains an entry for this variant (Variation ID: 3385470). Invitae Evidence Modeling of protein sequence and biophysical properties (such as structural, functional, and spatial information, amino acid conservation, physicochemical variation, residue mobility, and thermodynamic stability) indicates that this missense variant is not expected to disrupt RYR1 protein function with a negative predictive value of 80%. In summary, the available evidence is currently insufficient to determine the role of this variant in disease. Therefore, it has been classified as a Variant of Uncertain Significance.

All of Us Research Program, National Institutes of Health
Classification: Uncertain significance for Malignant hyperthermia, susceptibility to, 1. Last evaluated: 2024-09-23. Review status: criteria provided, single submitter. Criteria: ACMG Guidelines, 2015. Collection method: clinical testing. Allele origin: germline. Inheritance: Autosomal dominant inheritance. Observed: 1 variant allele, 1 heterozygote.
Comment: This study involves interpretation of variants in research participants for the purpose of population health screening. Participant phenotype was not available at the time of variant classification. Additional details can be found in publication PMID: 35346344, PMCID: PMC8962531